The following is an entry in ClinVar:

NM_000059.4(BRCA2):c.3869G>A (p.Cys1290Tyr)

Gene: BRCA2 (BRCA2 DNA repair associated; plus strand). Cytogenetic location: 13q13.1.
Variant type: single nucleotide variant.
Coding change: c.3869G>A on transcript NM_000059.4 (MANE Select); coding-DNA position 3869, G replaced by A.
Protein change: p.Cys1290Tyr; replaces cysteine 1290 with tyrosine.
Molecular consequence: missense variant.
Genome position (GRCh38, 1-based): chr13:32,338,224, G>A. VCF-style: chr13-32338224-G-A. GRCh37 (hg19) VCF-style: chr13-32912361-G-A.
Other names: 4097 G>A; NP_000050.3:p.Cys1290Tyr; 4097G>A; short protein forms C1290Y.
Identifiers: ClinVar variation 37863 (VCV000037863.119), dbSNP rs41293485, ClinGen allele CA019036.

ClinVar aggregate classification (germline): Benign. Review status: reviewed by expert panel (3 of 4 stars). 40 submissions from 38 submitters: Benign (1). 39 of the submissions do not count toward it. Last evaluated 2015-01-12.

Conditions:
BRCA2-related cancer predisposition. Identifiers: MedGen CN377758, MONDO:0700269.
Breast and/or ovarian cancer. Identifiers: MedGen CN221562.
Hereditary cancer-predisposing syndrome. Also called: Neoplastic Syndromes, Hereditary; Tumor predisposition; Hereditary Cancer Syndrome; Hereditary neoplastic syndrome. Identifiers: Orphanet 140162, MedGen C0027672, MeSH D009386, MONDO:0015356.
Hereditary breast ovarian cancer syndrome. Also called: Hereditary breast and ovarian cancer; Breast and ovarian cancer; Hereditary breast and/or ovarian cancer syndrome; Hereditary breast and ovarian cancer syndrome (HBOC); Hereditary breast and ovarian cancer syndrome; BRCA1- and BRCA2-Associated Hereditary Breast and Ovarian Cancer. Identifiers: Orphanet 145, MedGen C0677776, MeSH D061325, MONDO:0003582. Disease mechanism: loss of function.
Breast-ovarian cancer, familial, susceptibility to, 2 (BROVCA2). Also called: BRCA2 Hereditary Breast and Ovarian Cancer. Identifiers: Orphanet 145, MedGen C2675520, MONDO:0012933, OMIM 612555. Disease mechanism: loss of function.
Fanconi anemia complementation group D1. Also called: BRCA2-Related Fanconi Anemia. Identifiers: Orphanet 319462, MedGen C1838457, MONDO:0011584, OMIM 605724.
Familial cancer of breast. Also called: BREAST CANCER, FAMILIAL; Hereditary breast cancer; hereditary breast carcinoma. Identifiers: Orphanet 227535, MedGen C0346153, MONDO:0016419, OMIM 114480. Disease mechanism: loss of function.

Allele frequency attached by ClinVar (database versions not stated): gnomAD exomes 0.00032 and 0.00087; ExAC 0.00100; gnomAD 0.00280 and 0.00307; ESP Exome Variant Server 0.00304; 1000 Genomes Project 30x 0.00328; TOPMed 0.00331; 1000 Genomes Project 0.00339.
gnomAD v4.1: 898 of 1,538,812 alleles (0.058%); highest among the groups gnomAD compares: African/African-American, 1%; 3 homozygotes.

Submissions 1 to 20 of 40:

Evidence-based Network for the Interpretation of Germline Mutant Alleles (ENIGMA)
Classification: Benign for Breast-ovarian cancer, familial 2. Last evaluated: 2015-01-12. Review status: reviewed by expert panel. Criteria: ENIGMA BRCA1/2 Classification Criteria (2015). Collection method: curation. Allele origin: germline.
Comment: Class 1 not pathogenic based on frequency >1% in an outbred sampleset. Frequency 0.01423 (African), derived from 1000 genomes (2012-04-30).

CeGaT Center for Human Genetics Tuebingen
Classification: Likely benign. Last evaluated: 2026-06-01. Review status: criteria provided, single submitter. Criteria: CeGaT Center For Human Genetics Tuebingen Variant Classification Criteria Version 2. Collection method: clinical testing. Allele origin: germline. Affected: yes. Observed: 4 variant alleles. Not counted in ClinVar's aggregate classification.
Comment: BRCA2: BS1

Labcorp Genetics (formerly Invitae), Labcorp
Classification: Benign for Hereditary breast ovarian cancer syndrome. Last evaluated: 2026-02-03. Review status: criteria provided, single submitter. Criteria: Invitae Variant Classification Sherloc (09022015). Collection method: clinical testing. Allele origin: germline. Not counted in ClinVar's aggregate classification.

Dasa
Classification: Benign. Last evaluated: 2025-12-18. Review status: criteria provided, single submitter. Criteria: DASA Assertion Criteria. Collection method: clinical testing. Allele origin: germline. Not counted in ClinVar's aggregate classification.
Comment: NM_000059.4(BRCA2):c.3869G>A (p.Cys1290Tyr) is a missense variant that results in the substitution of cysteine with tyrosine. Population frequency is inconsistent with a disease-causing role for this variant, and observations in unaffected individuals support a benign interpretation. Therefore, based on the currently available evidence, this variant is classified as benign.

ARUP Laboratories, Molecular Genetics and Genomics, ARUP Laboratories
Classification: Benign. Last evaluated: 2025-05-27. Review status: criteria provided, single submitter. Criteria: ARUP Molecular Germline Variant Investigation Process 2024. Collection method: clinical testing. Allele origin: germline. Not counted in ClinVar's aggregate classification.

Center for Genomic Medicine, Rigshospitalet, Copenhagen University Hospital
Classification: Benign. Last evaluated: 2025-03-04. Review status: criteria provided, single submitter. Criteria: ACMG Guidelines, 2015. Collection method: clinical testing. Allele origin: germline. Not counted in ClinVar's aggregate classification.

KCCC/NGS Laboratory, Kuwait Cancer Control Center
Classification: Benign for Familial cancer of breast. Last evaluated: 2025-02-01. Review status: criteria provided, single submitter. Criteria: ACMG Guidelines, 2015. Collection method: clinical testing. Allele origin: germline. Affected: no. Not counted in ClinVar's aggregate classification.

Blueprint Genetics
Classification: Likely benign. Last evaluated: 2024-11-22. Review status: criteria provided, single submitter. Criteria: ACMG Guidelines, 2015. Collection method: clinical testing. Allele origin: germline. Not counted in ClinVar's aggregate classification.

All of Us Research Program, National Institutes of Health
Classification: Benign for BRCA2-related cancer predisposition. Last evaluated: 2024-09-23. Review status: criteria provided, single submitter. Criteria: ACMG Guidelines, 2015. Collection method: clinical testing. Allele origin: germline. Inheritance: Autosomal dominant inheritance. Observed: 297 variant alleles, 296 heterozygotes, 1 homozygote. Not counted in ClinVar's aggregate classification.
Comment: This study involves interpretation of variants in research participants for the purpose of population health screening. Participant phenotype was not available at the time of variant classification. Additional details can be found in publication PMID: 35346344, PMCID: PMC8962531

KCCC/NGS Laboratory, Kuwait Cancer Control Center
Classification: Benign for Breast-ovarian cancer, familial, susceptibility to, 2. Last evaluated: 2023-07-07. Review status: criteria provided, single submitter. Criteria: ACMG Guidelines, 2015. Collection method: clinical testing. Allele origin: germline. Affected: yes. Not counted in ClinVar's aggregate classification.

CHEO Genetics Diagnostic Laboratory, Children's Hospital of Eastern Ontario
Classification: Benign for Breast and/or ovarian cancer. Last evaluated: 2022-05-02. Review status: criteria provided, single submitter. Criteria: ACMG Guidelines, 2015. Collection method: clinical testing. Allele origin: germline. Not counted in ClinVar's aggregate classification.

National Health Laboratory Service, Universitas Academic Hospital and University of the Free State
Classification: Benign for Hereditary breast ovarian cancer syndrome. Last evaluated: 2022-04-19. Review status: criteria provided, single submitter. Criteria: ACMG Guidelines, 2015. Collection method: clinical testing. Allele origin: germline. Affected: yes. Observed: 15 variant alleles. Not counted in ClinVar's aggregate classification.

Institute for Clinical Genetics, University Hospital TU Dresden, University Hospital TU Dresden
Classification: Benign. Last evaluated: 2021-11-03. Review status: criteria provided, single submitter. Criteria: ACMG Guidelines, 2015. Collection method: clinical testing. Allele origin: germline. Not counted in ClinVar's aggregate classification.

Genetics Program, Instituto Nacional de Cancer
Classification: Likely benign for Hereditary breast ovarian cancer syndrome. Last evaluated: 2021-11-01. Review status: criteria provided, single submitter. Criteria: ACMG Guidelines, 2015. Collection method: research. Allele origin: germline. Affected: yes. Not counted in ClinVar's aggregate classification.

Laboratory for Molecular Medicine, Mass General Brigham Personalized Medicine
Classification: Benign. Last evaluated: 2021-06-10. Review status: criteria provided, single submitter. Criteria: ACMG Guidelines, 2015. Collection method: clinical testing. Allele origin: germline. Not counted in ClinVar's aggregate classification.
Comment: The p.Cys1290Tyr variant in BRCA2 is classified as benign because it has been identified in 1.05% (232/22064) of African chromosomes, including 2 homozygotes, by gnomAD. ACMG/AMP Criteria applied: BA1.

Sema4
Classification: Benign for Hereditary cancer-predisposing syndrome. Last evaluated: 2020-10-04. Review status: criteria provided, single submitter. Criteria: Sema4 Curation Guidelines. Collection method: curation. Allele origin: germline. Not counted in ClinVar's aggregate classification.

Quest Diagnostics Nichols Institute San Juan Capistrano
Classification: Benign. Last evaluated: 2020-06-15. Review status: criteria provided, single submitter. Criteria: Quest Diagnostics criteria. Collection method: clinical testing. Allele origin: unknown. Not counted in ClinVar's aggregate classification.

Illumina Laboratory Services, Illumina
Classification: Likely benign for Breast-ovarian cancer, familial, susceptibility to, 2. Last evaluated: 2018-02-02. Review status: criteria provided, single submitter. Criteria: ICSL Variant Classification Criteria 13 December 2019. Collection method: clinical testing. Allele origin: germline. Not counted in ClinVar's aggregate classification.
Comment: This variant was observed as part of a predisposition screen in an ostensibly healthy population. A literature search was performed for the gene, cDNA change, and amino acid change (where applicable). Publications were found based on this search. The evidence from the literature, in combination with allele frequency data from public databases where available, was sufficient to determine this variant is unlikely to cause disease. Therefore, this variant is classified as likely benign.

Illumina Laboratory Services, Illumina
Classification: Likely benign for Fanconi anemia complementation group D1. Last evaluated: 2018-02-02. Review status: criteria provided, single submitter. Criteria: ICSL Variant Classification Criteria 13 December 2019. Collection method: clinical testing. Allele origin: germline. Not counted in ClinVar's aggregate classification.
Comment: This variant was observed as part of a predisposition screen in an ostensibly healthy population. A literature search was performed for the gene, cDNA change, and amino acid change (where applicable). No publications were found based on this search. Allele frequency data from public databases allowed determination this variant is unlikely to cause disease. Therefore, this variant is classified as likely benign.

Genetic Services Laboratory, University of Chicago
Classification: Benign. Last evaluated: 2017-06-20. Review status: criteria provided, single submitter. Criteria: ACMG Guidelines, 2015. Collection method: clinical testing. Allele origin: germline. Affected: no. Not counted in ClinVar's aggregate classification.